The following is an entry in ClinVar:

ClinVar aggregate classification (germline): Pathogenic. Review status: reviewed by expert panel (3 of 4 stars). 2 submissions from 2 submitters: Pathogenic (1). 1 of the submissions does not count toward it. Last evaluated 2025-05-28.

Conditions:
Autosomal recessive limb-girdle muscular dystrophy. Identifiers: Orphanet 102015, MedGen C2931907, MONDO:0015152.

Submissions (2):

ClinGen Limb Girdle Muscular Dystrophy Variant Curation Expert Panel, ClinGen
Classification: Pathogenic for Autosomal recessive limb-girdle muscular dystrophy. Last evaluated: 2025-05-28. Review status: reviewed by expert panel. Criteria: ClinGen LGMD VCEP ACMG Specifications DYSF V1.0.0. Collection method: curation. Allele origin: germline. Inheritance: Autosomal recessive inheritance.
Comment: The NM_003494.4: c.1535_1538dup p.(Phe514GlyfsTer57) variant in DYSF, which is also known as NM_001130987.2: c.1589_1592dup p.(Phe532GlyfsTer57), is a frameshift variant predicted to cause a premature stop codon in biologically relevant exon 19/55, leading to nonsense mediated decay in a gene in which loss of function is an established disease mechanism (PVS1). This variant has been identified in one individual with suspected LGMD in unknown phase with a pathogenic variant (NM_003494.4: c.3051dup p.(Ile1018HisfsTer14), 0.5 pts, GRASP-LGMD consortium internal data communication) (PM3_Supporting; PP4). This variant is absent from gnomAD v.4.1.0 (PM2_Supporting). In summary, this variant meets the criteria to be classified as Pathogenic for autosomal recessive limb girdle muscular dystrophy based on the ACMG/AMP criteria applied, as specified by the ClinGen LGMD VCEP (LGMD VCEP specifications version 1.0.0; 05/28/2025): PVS1, PM2_Supporting, PM3_Supporting, PP4.

Eurofins Ntd Llc (ga)
Classification: Pathogenic. Last evaluated: 2018-03-27. Review status: criteria provided, single submitter. Criteria: EGL ClinVar v180209 classification definitions. Collection method: clinical testing. Allele origin: germline. Observed: 1 variant allele, 1 heterozygote. Not counted in ClinVar's aggregate classification.

NM_001130987.2(DYSF):c.1589_1592dup (p.Phe532fs)

Gene: DYSF (dysferlin; plus strand). Cytogenetic location: 2p13.2.
Variant type: Duplication.
Coding change: c.1589_1592dup on transcript NM_001130987.2 (MANE Select); coding-DNA positions 1589 to 1592, 4 bases duplicated (TGGG; older notation c.1589_1592dupTGGG).
Protein change: p.Phe532fs; shifts the reading frame from phenylalanine 532.
Molecular consequence: frameshift variant.
Genome position (GRCh38, 1-based): chr2:71,551,053-71,551,056, TGGG duplicated. VCF-style (leftmost placement, unchanged base first): chr2-71551052-C-CTGGG. GRCh37 (hg19) VCF-style: chr2-71778182-C-CTGGG.
Other names: NM_001130987.2(DYSF):c.1589_1592dup; p.Phe532fs; c.1538_1541dup, p.Phe515fs (NM_001130455.2, NM_001130983.2); c.1493_1496dup, p.Phe500fs (NM_001130976.2, NM_001130977.2); c.1535_1538dup, p.Phe514fs (NM_001130978.2, NM_003494.4); c.1628_1631dup, p.Phe545fs (NM_001130979.2); c.1586_1589dup, p.Phe531fs (NM_001130980.2, NM_001130981.2); c.1631_1634dup, p.Phe546fs (NM_001130982.2); and 2 more; short protein forms F514fs, F532fs, F500fs, F501fs, F515fs, F531fs, F545fs, F546fs.
Identifiers: ClinVar variation 596644 (VCV000596644.6), dbSNP rs1573928936, ClinGen allele CA913190077.
Genomic context (GRCh38, chr2:71,551,052, plus strand): 5'-GGGAAGCCCCACTGGGCCGACCCCTCTGATTGCCACTTGTGTCTCCCAGTGGATGACTAC[C>CTGGG]TGGGCTTCCTCCCCACTTTTGGGCCCTGCTACATCAACCTCTATGGCAGTCCCAGAGAGT-3'